The following is an entry in ClinVar:

ClinVar aggregate classification (germline): Uncertain significance. Review status: criteria provided, multiple submitters, no conflicts (2 of 4 stars). 2 submissions from 2 submitters: Uncertain significance (2). Last evaluated 2023-06-21.

Conditions:
Inborn genetic diseases. Identifiers: MedGen C0950123, MeSH D030342.

Allele frequency attached by ClinVar (database versions not stated): gnomAD exomes below 0.00001; TOPMed 0.00001.
gnomAD v4.1: 6 of 1,612,634 alleles (0.00037%); highest among the groups gnomAD compares: Non-Finnish European, 0.00051%; no homozygotes.

Submissions (2):

Ambry Genetics
Classification: Uncertain significance for Inborn genetic diseases. Last evaluated: 2023-06-21. Review status: criteria provided, single submitter. Criteria: Ambry Variant Classification Scheme 2023. Collection method: clinical testing. Allele origin: germline.

Labcorp Genetics (formerly Invitae), Labcorp
Classification: Uncertain significance. Last evaluated: 2022-08-23. Review status: criteria provided, single submitter. Criteria: Invitae Variant Classification Sherloc (09022015). Collection method: clinical testing. Allele origin: germline.
Comment: In summary, the available evidence is currently insufficient to determine the role of this variant in disease. Therefore, it has been classified as a Variant of Uncertain Significance. Algorithms developed to predict the effect of sequence changes on RNA splicing suggest that this variant may create or strengthen a splice site. Algorithms developed to predict the effect of missense changes on protein structure and function are either unavailable or do not agree on the potential impact of this missense change (SIFT: "Not Available"; PolyPhen-2: "Probably Damaging"; Align-GVGD: "Not Available"). This variant has not been reported in the literature in individuals affected with PISD-related conditions. This sequence change replaces arginine, which is basic and polar, with cysteine, which is neutral and slightly polar, at codon 125 of the PISD protein (p.Arg125Cys). This variant is not present in population databases (gnomAD no frequency).

NM_001326411.2(PISD):c.373C>T (p.Arg125Cys)

Gene: PISD (phosphatidylserine decarboxylase; minus strand). Cytogenetic location: 22q12.2.
Variant type: single nucleotide variant.
Coding change: c.373C>T on transcript NM_001326411.2 (MANE Select); coding-DNA position 373, C replaced by T.
Protein change: p.Arg125Cys; replaces arginine 125 with cysteine.
Molecular consequence: missense variant. On other transcripts: intron variant (1).
Genome position (GRCh38, 1-based): chr22:31,621,834, G>A on the plus strand (C>T on the coding strand, the complement: PISD is on the minus strand). VCF-style: chr22-31621834-G-A. GRCh37 (hg19) VCF-style: chr22-32017820-G-A.
Other names: c.271C>T (NM_014338.3); c.310C>T, p.Arg104Cys (NM_001326413.2, NM_001326414.2); c.271C>T, p.Arg91Cys (NM_001326415.2, NM_001326416.2, NM_001326417.2 and 3 more transcripts); c.193C>T, p.Arg65Cys (NM_001326418.2, NM_001326420.2); c.373C>T, p.Arg125Cys (NM_001326421.1); c.322-12C>T (NM_001326412.1); short protein forms R91C, R125C, R104C, R65C.
Identifiers: ClinVar variation 1928488 (VCV001928488.7), dbSNP rs951411782, ClinGen allele CA323308148.
Genomic context (GRCh38, chr22:31,621,834, plus strand): 5'-AGATGTACAGGCTGTAGACGGGCCTGCGCAGCCAGTGTGGCAGCTCCACCTGATTGAGGC[G>A]ACCCCAGGCCCGTGACAGCAAGCGCGTTGGCACTGACTTGTACAAAGCCACCTGCAGGCC-3'
Protein context (NP_001313340.1, residues 115-135): PTRLLSRAWG[Arg125Cys]LNQVELPHWL